The following is an entry in ClinVar:

ClinVar aggregate classification (germline): Uncertain significance. Review status: criteria provided, multiple submitters, no conflicts (2 of 4 stars). 2 submissions from 2 submitters: Uncertain significance (2). Last evaluated 2025-01-05.

Conditions:
TTBK2-related disorder. Also called: TTBK2-related condition.

Allele frequency attached by ClinVar (database versions not stated): TOPMed 0.00001.
gnomAD v4.1: 9 of 1,614,180 alleles (0.00056%); highest among the groups gnomAD compares: Admixed American, 0.005%; no homozygotes.

Submissions (2):

PreventionGenetics, part of Exact Sciences
Classification: Uncertain significance for TTBK2-related condition. Last evaluated: 2025-01-05. Review status: criteria provided, single submitter. Criteria: ACMG Guidelines, 2015. Collection method: clinical testing. Allele origin: germline.
Comment: The TTBK2 c.2967G>C variant is predicted to result in the amino acid substitution p.Lys989Asn. To our knowledge, this variant has not been reported in the literature. This variant is reported in 0.0087% of alleles in individuals of Latino descent in gnomAD. At this time, the clinical significance of this variant is uncertain due to the absence of conclusive functional and genetic evidence.

Labcorp Genetics (formerly Invitae), Labcorp
Classification: Uncertain significance. Last evaluated: 2024-10-24. Review status: criteria provided, single submitter. Criteria: Invitae Variant Classification Sherloc (09022015). Collection method: clinical testing. Allele origin: germline.
Comment: This sequence change replaces lysine, which is basic and polar, with asparagine, which is neutral and polar, at codon 989 of the TTBK2 protein (p.Lys989Asn). This variant is present in population databases (no rsID available, gnomAD 0.009%). This variant has not been reported in the literature in individuals affected with TTBK2-related conditions. An algorithm developed to predict the effect of missense changes on protein structure and function (PolyPhen-2) suggests that this variant is likely to be tolerated. In summary, the available evidence is currently insufficient to determine the role of this variant in disease. Therefore, it has been classified as a Variant of Uncertain Significance.

NM_173500.4(TTBK2):c.2967G>C (p.Lys989Asn)

Gene: TTBK2 (tau tubulin kinase 2; minus strand). Cytogenetic location: 15q15.2.
Variant type: single nucleotide variant.
Coding change: c.2967G>C on transcript NM_173500.4 (MANE Select); coding-DNA position 2967, G replaced by C.
Protein change: p.Lys989Asn; replaces lysine 989 with asparagine.
Molecular consequence: missense variant.
Genome position (GRCh38, 1-based): chr15:42,752,279, C>G on the plus strand (G>C on the coding strand, the complement: TTBK2 is on the minus strand). VCF-style: chr15-42752279-C-G. GRCh37 (hg19) VCF-style: chr15-43044477-C-G.
Other names: short protein forms K989N.
Identifiers: ClinVar variation 2804436 (VCV002804436.4), dbSNP rs1431529681, ClinGen allele CA392071331.